The following is an entry in ClinVar:

NM_000368.5(TSC1):c.45C>T (p.Asp15=)

Gene: TSC1 (TSC complex subunit 1; minus strand). Cytogenetic location: 9q34.13.
Variant type: single nucleotide variant.
Coding change: c.45C>T on transcript NM_000368.5 (MANE Select); coding-DNA position 45, C replaced by T.
Protein change: p.Asp15=; no amino-acid change (aspartic acid 15 retained).
Molecular consequence: synonymous variant. On other transcripts: 5 prime UTR variant (1).
Genome position (GRCh38, 1-based): chr9:132,928,828, G>A on the plus strand (C>T on the coding strand, the complement: TSC1 is on the minus strand). VCF-style: chr9-132928828-G-A. GRCh37 (hg19) VCF-style: chr9-135804215-G-A.
Other names: c.45C>T, p.Asp15= (NM_001162426.2, NM_001162427.2); c.-215C>T (NM_001362177.2).
Identifiers: ClinVar variation 466143 (VCV000466143.20), dbSNP rs1457262106, ClinGen allele CA467594352.
Genomic context (GRCh38, chr9:132,928,828, plus strand): 5'-AGAATTGAGGTTCTCTTTAAAGACAGCTGTCACGTCGTCCCGCACACCCAGCATGGGGGA[G>A]TCCAGCATGGCAAGAAGCTCCCCGACATTTGCTTGTTGGGCCATTCTCTCGCTCGAAGGC-3'
Protein context (NP_000359.1, residues 5-25): ANVGELLAML[Asp15=]SPMLGVRDDV

ClinVar aggregate classification (germline): Benign/Likely benign. Review status: criteria provided, multiple submitters, no conflicts (2 of 4 stars). 7 submissions from 7 submitters: Benign (2); Likely benign (5). Last evaluated 2025-09-03.

Conditions:
Hereditary cancer-predisposing syndrome. Also called: Hereditary neoplastic syndrome; Neoplastic Syndromes, Hereditary; Tumor predisposition; Hereditary Cancer Syndrome. Identifiers: Orphanet 140162, MedGen C0027672, MeSH D009386, MONDO:0015356.
Tuberous sclerosis 1 (TSC1). Identifiers: Orphanet 805, MedGen C1854465, MONDO:0008612, OMIM 191100.
Isolated focal cortical dysplasia type II (FCORD2). Also called: CORTICAL DYSPLASIA OF TAYLOR; Focal cortical dysplasia type II. Identifiers: Orphanet 268994, MedGen C1846385, MONDO:0011818, OMIM 607341, HP:0032051.
Lymphangiomyomatosis (LAM). Also called: Lymphangioleiomyomatosis; Lymphangioleiomyomatosis, somatic. Identifiers: Orphanet 538, MedGen C0751674, MONDO:0011705, OMIM 606690.
Tuberous sclerosis syndrome (TSC). Also called: Tuberous Sclerosis Complex; Tuberous sclerosis. Identifiers: Orphanet 805, MedGen C0041341, MONDO:0001734.

Allele frequency attached by ClinVar (database versions not stated): gnomAD exomes below 0.00001; gnomAD 0.00001; TOPMed 0.00001.
gnomAD v4.1: 2 of 1,614,124 alleles (0.00012%); highest among the groups gnomAD compares: African/African-American, 0.0027%; no homozygotes.

Submissions (7):

Labcorp Genetics (formerly Invitae), Labcorp
Classification: Likely benign for Tuberous sclerosis 1. Last evaluated: 2025-09-03. Review status: criteria provided, single submitter. Criteria: Invitae Variant Classification Sherloc (09022015). Collection method: clinical testing. Allele origin: germline.

Myriad Genetics, Inc.
Classification: Benign for Tuberous sclerosis 1. Last evaluated: 2025-04-07. Review status: criteria provided, single submitter. Criteria: Myriad Autosomal Dominant, Autosomal Recessive and X-Linked Classification Criteria (2023). Collection method: clinical testing. Allele origin: unknown.
Comment: This variant is considered benign. This variant is a silent/synonymous amino acid change and it is not expected to impact splicing.

All of Us Research Program, National Institutes of Health
Classification: Likely benign for Tuberous sclerosis syndrome. Last evaluated: 2023-04-24. Review status: criteria provided, single submitter. Criteria: ACMG Guidelines, 2015. Collection method: clinical testing. Allele origin: germline. Inheritance: Autosomal dominant inheritance. Observed: 1 variant allele, 1 heterozygote.
Comment: This study involves interpretation of variants in research participants for the purpose of population health screening. Participant phenotype was not available at the time of variant classification. Additional details can be found in publication PMID: 35346344, PMCID: PMC8962531

Genome-Nilou Lab
Classification: Benign for Tuberous sclerosis 1. Last evaluated: 2021-11-07. Review status: criteria provided, single submitter. Criteria: ACMG Guidelines, 2015. Collection method: clinical testing. Allele origin: germline. Affected: no.

Fulgent Genetics
Classification: Likely benign for Tuberous sclerosis 1; Lymphangiomyomatosis; Isolated focal cortical dysplasia type II. Last evaluated: 2021-09-29. Review status: criteria provided, single submitter. Criteria: ACMG Guidelines, 2015. Collection method: clinical testing. Allele origin: unknown.

Ambry Genetics
Classification: Likely benign for Hereditary cancer-predisposing syndrome. Last evaluated: 2020-02-06. Review status: criteria provided, single submitter. Criteria: Ambry Variant Classification Scheme 2023. Collection method: clinical testing. Allele origin: germline.

GeneDx
Classification: Likely benign. Last evaluated: 2019-01-16. Review status: criteria provided, single submitter. Criteria: GeneDx Variant Classification Process June 2021. Collection method: clinical testing. Allele origin: germline. Affected: yes.